The following is an entry in ClinVar:

ClinVar aggregate classification (germline): Pathogenic. Review status: criteria provided, multiple submitters, no conflicts (2 of 4 stars). 9 submissions from 8 submitters: Pathogenic (6). 3 of the submissions do not count toward it. Last evaluated 2026-03-17.

Conditions:
Autosomal recessive nonsyndromic hearing loss 1A (DFNB1A). Also called: GJB6-Related DFNB 1 Nonsyndromic Hearing Loss and Deafness; Deafness, autosomal recessive 1A; Connexin 26 deafness; Deafness nonsyndromic, Connexin 26 linked; Nonsyndromic Hearing Loss and Deafness, DFNB1; GJB2-Related Autosomal Recessive Nonsyndromic Hearing Loss. Identifiers: Orphanet 90636, MedGen C2673759, MONDO:0009076, OMIM 220290.
Autosomal dominant nonsyndromic hearing loss 3A. Identifiers: Orphanet 90635, MedGen C2675750, MONDO:0011103, OMIM 601544.

Submissions (9):

GeneDx
Classification: Pathogenic. Last evaluated: 2026-03-17. Review status: criteria provided, single submitter. Criteria: GeneDx Variant Classification Process June 2021. Collection method: clinical testing. Allele origin: germline.
Comment: Published functional studies demonstrate G200R results in retention in the endoplasmic reticulum and protein aggregation in the cytoplasm (PMID: 23967136); Observed in multiple other unrelated patients with hearing loss in published literature and referred for genetic testing at GeneDx (PMID: 28786104, 19567088, 22695344, 31992338); Not observed at significant frequency in large population cohorts (gnomAD); In silico analysis supports that this missense variant has a deleterious effect on protein structure/function; This variant is associated with the following publications: (PMID: 24949729, 22567861, 19567088, 25388846, 31107121, 26186295, 22695344, 31992338, 27169813, 30275481, 36597107, 35982127, 36048236, 21094084, 23967136, 28786104)

Natera, Inc.
Classification: Pathogenic for Autosomal recessive deafness type 1A. Last evaluated: 2025-03-10. Review status: criteria provided, single submitter. Criteria: Natera Variant Classification Schema (03/2026). Collection method: clinical testing. Allele origin: germline.
Comment: The c.598G>A variant in GJB2 is a missense variant predicted to cause substitution of glycine to arginine at amino acid 200. This variant is rare in the general population with a frequency below the threshold expected for the associated phenotype(s). This variant has been observed in one or more individuals affected with the associated recessive disease, as either homozygous or compound heterozygous with a second variant (PMID: 31992338, 28786104). Computational prediction algorithms indicate this variant is likely to affect gene or protein function. Given the available evidence, this variant is classified as Pathogenic.

Labcorp Genetics (formerly Invitae), Labcorp
Classification: Pathogenic. Last evaluated: 2023-08-08. Review status: criteria provided, single submitter. Criteria: Invitae Variant Classification Sherloc (09022015). Collection method: clinical testing. Allele origin: germline.
Comment: This sequence change replaces glycine, which is neutral and non-polar, with arginine, which is basic and polar, at codon 200 of the GJB2 protein (p.Gly200Arg). This variant is not present in population databases (gnomAD no frequency). This missense change has been observed in individuals with autosomal recessive deafness (PMID: 21094084, 24949729). It has also been observed to segregate with disease in related individuals. ClinVar contains an entry for this variant (Variation ID: 225222). Advanced modeling of protein sequence and biophysical properties (such as structural, functional, and spatial information, amino acid conservation, physicochemical variation, residue mobility, and thermodynamic stability) performed at Invitae indicates that this missense variant is expected to disrupt GJB2 protein function. Experimental studies have shown that this missense change affects GJB2 function (PMID: 23967136). For these reasons, this variant has been classified as Pathogenic.

Women's Health and Genetics/Laboratory Corporation of America, LabCorp
Classification: Pathogenic for Autosomal recessive nonsyndromic hearing loss 1A. Last evaluated: 2022-04-08. Review status: criteria provided, single submitter. Criteria: LabCorp Variant Classification Summary - May 2015. Collection method: clinical testing. Allele origin: germline.
Comment: Variant summary: GJB2 c.598G>A (p.Gly200Arg) results in a non-conservative amino acid change in the encoded protein sequence. Five of five in-silico tools predict a damaging effect of the variant on protein function. The variant was absent in 251254 control chromosomes. c.598G>A has been reported in the literature as homozygous and compound heterozygous genotypes in multiple individuals from diverse ethnicities affected with Autosomal Recessive Non-Syndromic Hearing Loss (example, Liu_2009, Bliznets_2012, Chaleshtori_2005, Shafique_2014, Bakhchane_2016). These data indicate that the variant is very likely to be associated with disease. At least one publication reports experimental evidence evaluating an impact on protein function demonstrating improper trafficking with intracellular aggregation (Ambrosi_2013). Three clinical diagnostic laboratories have submitted clinical-significance assessments for this variant to ClinVar after 2014 without evidence for independent evaluation. All laboratories classified the variant as pathogenic/likely pathogenic. Based on the evidence outlined above, the variant was classified as pathogenic.

Victorian Clinical Genetics Services, Murdoch Childrens Research Institute
Classification: Pathogenic for Autosomal recessive nonsyndromic hearing loss 1A. Last evaluated: 2022-02-02. Review status: criteria provided, single submitter. Criteria: ACMG Guidelines, 2015. Collection method: clinical testing. Allele origin: germline. Inheritance: Autosomal recessive inheritance.
Comment: Based on the classification scheme VCGS_Germline_v1.3.3, this variant is classified as Pathogenic. Following criteria are met: 0102 - Loss of function is a known mechanism of disease in this gene and is associated with both deafness (MIM#220290, #601544) and diseases affecting skin (various MIM#s). Dominant negative is also a potential mechanism of disease (PMID: 28428247). (I) 0108 - This gene is associated with both recessive and dominant disease. Autosomal dominant disease is associated with pathogenic missense variants, while autosomal recessive disease is associated with biallelic loss-of-function variants including missense and protein truncating variants (PMID: 11179004, 12792423). (I) 0112 - The condition associated with this gene has incomplete penetrance (PMID:31160754). (I) 0200 - Variant is predicted to result in a missense amino acid change from glycine to arginine. (I) 0251 - This variant is heterozygous. (I) 0301 - Variant is absent from gnomAD (both v2 and v3). (SP) 0501 - Missense variant consistently predicted to be damaging by multiple in silico tools or highly conserved with a major amino acid change. (SP) 0604 - Variant is not located in an established domain, motif, hotspot or informative constraint region. (I) 0801 - This variant has strong previous evidence of pathogenicity in unrelated individuals. This variant has been reported in multiple individuals with autosomal recessive hearing loss in the homozygous or compound heterozygous state (ClinVar, PMID: 22695344, 24949729, 27169813, 31992338). (SP) 1002 - This variant has moderate functional evidence supporting abnormal protein function. Cell line studies demonstrated that this variant results in abnormal protein trafficking (PMID: 23967136). (SP) 1208 - Inheritance information for this variant is not currently available in this individual. (I) Legend: (SP) - Supporting pathogenic, (I) - Information, (SB) - Supporting benign

Juno Genomics, Hangzhou Juno Genomics, Inc
Classification: Pathogenic for Autosomal recessive nonsyndromic hearing loss 1A. Review status: criteria provided, single submitter. Criteria: ACMG Guidelines, 2015. Collection method: clinical testing. Allele origin: germline. Affected: yes.
Comment: Absent from controls (or at extremely low frequency if recessive) in Genome Aggregation Database.;Well-established in vitro or in vivo functional studies supportive of a damaging effect on the gene or gene product.;For recessive disorders, detected in trans with a pathogenic variant.

Institut Pasteur du Maroc
Classification: Pathogenic for Autosomal recessive nonsyndromic hearing loss 1A. Last evaluated: 2016-04-01. Review status: no assertion criteria provided. Collection method: clinical testing. Allele origin: inherited. Inheritance: Autosomal recessive inheritance. Affected: yes. Observed: 1 variant allele, 1 homozygote. Not counted in ClinVar's aggregate classification.

Counsyl
Classification: Likely pathogenic for Autosomal recessive nonsyndromic hearing loss 1A. Last evaluated: 2016-01-21. Review status: no assertion criteria provided. Collection method: clinical testing. Allele origin: unknown. Not counted in ClinVar's aggregate classification.

Counsyl
Classification: Likely pathogenic for Autosomal dominant nonsyndromic hearing loss 3A. Last evaluated: 2016-01-21. Review status: no assertion criteria provided. Collection method: clinical testing. Allele origin: unknown. Not counted in ClinVar's aggregate classification.

Literature cited by the submitters: PubMed 31992338 (cited by Natera, Inc. and Victorian Clinical Genetics Services, Murdoch Childrens Research Institute); PubMed 28786104 (cited by Natera, Inc.); PubMed 21094084 (cited by Labcorp Genetics (formerly Invitae), Labcorp and Counsyl); PubMed 24949729 (cited by 4 submitters); PubMed 23967136 (cited by 4 submitters); PubMed 22567861 (cited by Women's Health and Genetics/Laboratory Corporation of America, LabCorp and Counsyl); PubMed 27169813 (cited by Women's Health and Genetics/Laboratory Corporation of America, LabCorp and Victorian Clinical Genetics Services, Murdoch Childrens Research Institute); PubMed 19567088 (cited by Women's Health and Genetics/Laboratory Corporation of America, LabCorp and Counsyl); PubMed 11179004 (cited by Victorian Clinical Genetics Services, Murdoch Childrens Research Institute); PubMed 12792423 (cited by Victorian Clinical Genetics Services, Murdoch Childrens Research Institute); PubMed 22695344 (cited by Victorian Clinical Genetics Services, Murdoch Childrens Research Institute and Counsyl); PubMed 28428247 (cited by Victorian Clinical Genetics Services, Murdoch Childrens Research Institute); PubMed 31160754 (cited by Victorian Clinical Genetics Services, Murdoch Childrens Research Institute).

NM_004004.6(GJB2):c.598G>A (p.Gly200Arg)

Gene: GJB2 (gap junction protein beta 2; minus strand). Cytogenetic location: 13q12.11.
Variant type: single nucleotide variant.
Coding change: c.598G>A on transcript NM_004004.6 (MANE Select); coding-DNA position 598, G replaced by A.
Protein change: p.Gly200Arg; replaces glycine 200 with arginine.
Molecular consequence: missense variant.
Genome position (GRCh38, 1-based): chr13:20,188,984, C>T on the plus strand (G>A on the coding strand, the complement: GJB2 is on the minus strand). VCF-style: chr13-20188984-C-T. GRCh37 (hg19) VCF-style: chr13-20763123-C-T.
Other names: short protein forms G200R.
Identifiers: ClinVar variation 225222 (VCV000225222.16), dbSNP rs786204597, ClinGen allele CA357244.